The following is an entry in ClinVar:

ClinVar aggregate classification (germline): Uncertain significance (1 of 4 stars; one submission).

Allele frequency attached by ClinVar (database versions not stated): gnomAD exomes below 0.00001; TOPMed 0.00001; ExAC 0.00002; gnomAD 0.00002; ESP Exome Variant Server 0.00008; 1000 Genomes Project 30x 0.00016; 1000 Genomes Project 0.00020.
gnomAD v4.1: 7 of 1,611,328 alleles (0.00043%); highest among the groups gnomAD compares: East Asian, 0.0022%; no homozygotes.

Submission:

Labcorp Genetics (formerly Invitae), Labcorp
Classification: Uncertain significance. Last evaluated: 2022-12-06. Review status: criteria provided, single submitter. Criteria: Invitae Variant Classification Sherloc (09022015). Collection method: clinical testing. Allele origin: germline.
Comment: This variant has not been reported in the literature in individuals affected with MYH7B-related conditions. In summary, the available evidence is currently insufficient to determine the role of this variant in disease. Therefore, it has been classified as a Variant of Uncertain Significance. Advanced modeling of protein sequence and biophysical properties (such as structural, functional, and spatial information, amino acid conservation, physicochemical variation, residue mobility, and thermodynamic stability) performed at Invitae indicates that this missense variant is expected to disrupt MYH7B protein function. This variant is present in population databases (rs374195076, gnomAD 0.006%). This sequence change replaces arginine, which is basic and polar, with glutamine, which is neutral and polar, at codon 1075 of the MYH7B protein (p.Arg1075Gln).

NM_020884.7(MYH7B):c.3098G>A (p.Arg1033Gln)

Gene: MYH7B (myosin heavy chain 7B; plus strand). Cytogenetic location: 20q11.22.
Variant type: single nucleotide variant.
Coding change: c.3098G>A on transcript NM_020884.7 (MANE Select); coding-DNA position 3098, G replaced by A.
Protein change: p.Arg1033Gln; replaces arginine 1033 with glutamine.
Molecular consequence: missense variant.
Genome position (GRCh38, 1-based): chr20:34,996,500, G>A. VCF-style: chr20-34996500-G-A. GRCh37 (hg19) VCF-style: chr20-33584303-G-A.
Other names: short protein forms R1033Q.
Identifiers: ClinVar variation 1910392 (VCV001910392.5), dbSNP rs374195076, ClinGen allele CA9827609.
Genomic context (GRCh38, chr20:34,996,500, plus strand): 5'-CCCTGGGTGACCTGCAGGCCGAGGAGGACCGTGTGAGCGCGCTGACCAAGGCCAAGCTCC[G>A]GCTGGAGCAACAGGTGGAGGACGTGAGTCAGGGCCACCCCGAGACTGGGTGGCGGGGCCG-3'
Protein context (NP_065935.4, residues 1023-1043): RVSALTKAKL[Arg1033Gln]LEQQVEDLEC